The following is an entry in ClinVar:

ClinVar aggregate classification (germline): Uncertain significance. Review status: criteria provided, multiple submitters, no conflicts (2 of 4 stars). 2 submissions from 2 submitters: Uncertain significance (2). Last evaluated 2023-05-04.

Conditions:
Aortic aneurysm, familial thoracic 4 (AAT4). Also called: AORTIC ANEURYSM/AORTIC DISSECTION AND PATENT DUCTUS ARTERIOSUS. Identifiers: MedGen C1851504, MONDO:0007568, OMIM 132900.
Familial thoracic aortic aneurysm and aortic dissection (TAAD). Also called: Thoracic aortic aneurysms and dissections. Identifiers: Orphanet 91387, MedGen C4707243, MONDO:0019625.

gnomAD v4.1: 1 of 1,605,764 alleles (0.000062%); highest among the groups gnomAD compares: Non-Finnish European, 0.000085%; no homozygotes.

Submissions (2):

All of Us Research Program, National Institutes of Health
Classification: Uncertain significance for Familial thoracic aortic aneurysm and aortic dissection. Last evaluated: 2023-05-04. Review status: criteria provided, single submitter. Criteria: ACMG Guidelines, 2015. Collection method: clinical testing. Allele origin: germline. Inheritance: Autosomal dominant inheritance. Observed: 1 variant allele, 1 heterozygote.
Comment: This missense variant replaces alanine with threonine at codon 1773 of the MYH11 protein. Computational prediction suggests that this variant may not impact protein structure and function (internally defined REVEL score threshold <= 0.5, PMID: 27666373). To our knowledge, functional studies have not been reported for this variant. This variant has not been reported in individuals affected with MYH11-related disorders in the literature. This variant has not been identified in the general population by the Genome Aggregation Database (gnomAD). The available evidence is insufficient to determine the role of this variant in disease conclusively. Therefore, this variant is classified as a Variant of Uncertain Significance.

This study involves interpretation of variants in research participants for the purpose of population health screening. Participant phenotype was not available at the time of variant classification. Additional details can be found in publication PMID: 35346344, PMCID: PMC8962531

Labcorp Genetics (formerly Invitae), Labcorp
Classification: Uncertain significance for Aortic aneurysm, familial thoracic 4. Last evaluated: 2022-04-21. Review status: criteria provided, single submitter. Criteria: Invitae Variant Classification Sherloc (09022015). Collection method: clinical testing. Allele origin: germline.
Comment: This variant has not been reported in the literature in individuals affected with MYH11-related conditions. This variant is not present in population databases (gnomAD no frequency). This sequence change replaces alanine, which is neutral and non-polar, with threonine, which is neutral and polar, at codon 1773 of the MYH11 protein (p.Ala1773Thr). In summary, the available evidence is currently insufficient to determine the role of this variant in disease. Therefore, it has been classified as a Variant of Uncertain Significance. Algorithms developed to predict the effect of missense changes on protein structure and function are either unavailable or do not agree on the potential impact of this missense change (SIFT: "Deleterious"; PolyPhen-2: "Benign"; Align-GVGD: "Class C0").

NM_002474.3(MYH11):c.5296G>A (p.Ala1766Thr)

Genes: MYH11 (myosin heavy chain 11; minus strand), NDE1 (nudE neurodevelopment protein 1; plus strand). Cytogenetic location: 16p13.11.
Variant type: single nucleotide variant.
Coding change: c.5296G>A on transcript NM_002474.3 (MANE Select); coding-DNA position 5296, G replaced by A.
Protein change: p.Ala1766Thr; replaces alanine 1766 with threonine.
Molecular consequence: missense variant. On other transcripts: intron variant (2).
Genome position (GRCh38, 1-based): chr16:15,717,348, C>T on the plus strand (G>A on the coding strand, the complement: MYH11 is on the minus strand). VCF-style: chr16-15717348-C-T. GRCh37 (hg19) VCF-style: chr16-15811205-C-T.
Other names: c.5317G>A, p.Ala1773Thr (NM_001040113.2, NM_001040114.2); c.5296G>A, p.Ala1766Thr (NM_022844.3); c.948-6843C>T (NM_001143979.2, NM_017668.3); short protein forms A1773T, A1766T.
Identifiers: ClinVar variation 1408582 (VCV001408582.9), dbSNP rs2151198532, ClinGen allele CA394849488.
Genomic context (GRCh38, chr16:15,717,348, plus strand): 5'-CACTCTCATTCTTCTGGGCCGTGCTGCGCTCTGTGGCCAGCTCGTTGCTGAGCTGCTCGG[C>T]CTGGGGAGGAGAGTGAAGGCCATGAGGCGGACTCAGGGAAGCCCAAGAGAGCGCACTGAG-3'
Protein context (NP_002465.1, residues 1756-1776): SDRVRKATQQ[Ala1766Thr]EQLSNELATE